The following is an entry in ClinVar:

ClinVar aggregate classification (germline): Uncertain significance (1 of 4 stars; one submission).

Conditions:
Early-infantile DEE. Also called: Early infantile epileptic encephalopathy with suppression bursts; Early infantile epileptic encephalopathy; Ohtahara syndrome. Identifiers: Orphanet 1934, MedGen C0393706, MONDO:0800491.

Allele frequency attached by ClinVar (database versions not stated): ExAC 0.00001; gnomAD exomes below 0.00001; TOPMed 0.00001; gnomAD 0.00001.
gnomAD v4.1: 8 of 1,613,872 alleles (0.0005%); highest among the groups gnomAD compares: East Asian, 0.0022%; no homozygotes.

Submission:

Labcorp Genetics (formerly Invitae), Labcorp
Classification: Uncertain significance for Early-infantile DEE. Last evaluated: 2021-06-30. Review status: criteria provided, single submitter. Criteria: Invitae Variant Classification Sherloc (09022015). Collection method: clinical testing. Allele origin: germline.
Comment: This sequence change replaces valine with methionine at codon 407 of the CACNA2D2 protein (p.Val407Met). The valine residue is moderately conserved and there is a small physicochemical difference between valine and methionine. This variant is present in population databases (rs759690468, ExAC 0.002%). In summary, the available evidence is currently insufficient to determine the role of this variant in disease. Therefore, it has been classified as a Variant of Uncertain Significance. Algorithms developed to predict the effect of missense changes on protein structure and function are either unavailable or do not agree on the potential impact of this missense change (SIFT: "Deleterious"; PolyPhen-2: "Probably Damaging"; Align-GVGD: "Class C0"). This variant has not been reported in the literature in individuals affected with CACNA2D2-related conditions.

NM_006030.4(CACNA2D2):c.1219G>A (p.Val407Met)

Gene: CACNA2D2 (calcium voltage-gated channel auxiliary subunit alpha2delta 2; minus strand). Cytogenetic location: 3p21.31.
Variant type: single nucleotide variant.
Coding change: c.1219G>A on transcript NM_006030.4 (MANE Select); coding-DNA position 1219, G replaced by A.
Protein change: p.Val407Met; replaces valine 407 with methionine.
Molecular consequence: missense variant.
Genome position (GRCh38, 1-based): chr3:50,379,133, C>T on the plus strand (G>A on the coding strand, the complement: CACNA2D2 is on the minus strand). VCF-style: chr3-50379133-C-T. GRCh37 (hg19) VCF-style: chr3-50416564-C-T.
Other names: c.1219G>A, p.Val407Met (NM_001005505.3, NM_001174051.3); c.1012G>A, p.Val338Met (NM_001291101.1); short protein forms V338M, V407M.
Identifiers: ClinVar variation 1472462 (VCV001472462.9), dbSNP rs759690468, ClinGen allele CA2418944.